The following is an entry in ClinVar:

NM_006282.5(STK4):c.592G>C (p.Glu198Gln)

Gene: STK4 (serine/threonine kinase 4; plus strand). Cytogenetic location: 20q13.12.
Variant type: single nucleotide variant.
Coding change: c.592G>C on transcript NM_006282.5 (MANE Select); coding-DNA position 592, G replaced by C.
Protein change: p.Glu198Gln; replaces glutamic acid 198 with glutamine.
Molecular consequence: missense variant.
Genome position (GRCh38, 1-based): chr20:44,995,156, G>C. VCF-style: chr20-44995156-G-C. GRCh37 (hg19) VCF-style: chr20-43623797-G-C.
Other names: c.592G>C, p.Glu198Gln (NM_001352385.2); short protein forms E198Q.
Identifiers: ClinVar variation 2788801 (VCV002788801.1), dbSNP rs765887990, ClinGen allele CA9873834.
Genomic context (GRCh38, chr20:44,995,156, plus strand): 5'-ATGGCCAAGCGGAATACAGTGATAGGAACACCATTTTGGATGGCTCCAGAAGTGATTCAG[G>C]AAATTGGATACAACTGTGTAGCAGACATCTGGTCCCTGGGAATAACTGCCATAGAAATGG-3'
Protein context (NP_006273.1, residues 188-208): PFWMAPEVIQ[Glu198Gln]IGYNCVADIW

ClinVar aggregate classification (germline): Uncertain significance (1 of 4 stars; one submission).

Conditions:
Combined immunodeficiency due to STK4 deficiency (IMD110). Also called: STK4 DEFICIENCY; MST1 DEFICIENCY; T-cell immunodeficiency, recurrent infections, and autoimmunity with or without cardiac malformations. Identifiers: Orphanet 314689, MedGen C3553943, MONDO:0013934, OMIM 614868.

Allele frequency attached by ClinVar (database versions not stated): gnomAD exomes below 0.00001; ExAC 0.00001.
gnomAD v4.1: 1 of 1,613,952 alleles (0.000062%); highest among the groups gnomAD compares: Admixed American, 0.0017%; no homozygotes.

Submission:

Labcorp Genetics (formerly Invitae), Labcorp
Classification: Uncertain significance for Combined immunodeficiency due to STK4 deficiency. Last evaluated: 2023-04-28. Review status: criteria provided, single submitter. Criteria: Invitae Variant Classification Sherloc (09022015). Collection method: clinical testing. Allele origin: germline.
Comment: In summary, the available evidence is currently insufficient to determine the role of this variant in disease. Therefore, it has been classified as a Variant of Uncertain Significance. Advanced modeling of protein sequence and biophysical properties (such as structural, functional, and spatial information, amino acid conservation, physicochemical variation, residue mobility, and thermodynamic stability) performed at Invitae indicates that this missense variant is not expected to disrupt STK4 protein function. This variant has not been reported in the literature in individuals affected with STK4-related conditions. This variant is present in population databases (rs765887990, gnomAD 0.003%). This sequence change replaces glutamic acid, which is acidic and polar, with glutamine, which is neutral and polar, at codon 198 of the STK4 protein (p.Glu198Gln).